The following is an entry in ClinVar:

ClinVar aggregate classification (germline): Uncertain significance (1 of 4 stars; one submission).

Conditions:
Lethal congenital glycogen storage disease of heart. Also called: GLYCOGEN STORAGE DISEASE OF HEART; PHOSPHORYLASE KINASE DEFICIENCY OF HEART. Identifiers: Orphanet 439854, MedGen C1849813, MONDO:0009867, OMIM 261740.

Submission:

Labcorp Genetics (formerly Invitae), Labcorp
Classification: Uncertain significance for Lethal congenital glycogen storage disease of heart. Last evaluated: 2024-02-02. Review status: criteria provided, single submitter. Criteria: Invitae Variant Classification Sherloc (09022015). Collection method: clinical testing. Allele origin: germline.
Comment: This sequence change replaces lysine, which is basic and polar, with glutamic acid, which is acidic and polar, at codon 29 of the PRKAG2 protein (p.Lys29Glu). This variant is not present in population databases (gnomAD no frequency). This variant has not been reported in the literature in individuals affected with PRKAG2-related conditions. Advanced modeling of protein sequence and biophysical properties (such as structural, functional, and spatial information, amino acid conservation, physicochemical variation, residue mobility, and thermodynamic stability) performed at Invitae indicates that this missense variant is not expected to disrupt PRKAG2 protein function with a negative predictive value of 95%. In summary, the available evidence is currently insufficient to determine the role of this variant in disease. Therefore, it has been classified as a Variant of Uncertain Significance.

NM_016203.4(PRKAG2):c.85A>G (p.Lys29Glu)

Gene: PRKAG2 (protein kinase AMP-activated non-catalytic subunit gamma 2; minus strand). Cytogenetic location: 7q36.1.
Variant type: single nucleotide variant.
Coding change: c.85A>G on transcript NM_016203.4 (MANE Select); coding-DNA position 85, A replaced by G.
Protein change: p.Lys29Glu; replaces lysine 29 with glutamic acid.
Molecular consequence: missense variant.
Genome position (GRCh38, 1-based): chr7:151,876,536, T>C on the plus strand (A>G on the coding strand, the complement: PRKAG2 is on the minus strand). VCF-style: chr7-151876536-T-C. GRCh37 (hg19) VCF-style: chr7-151573621-T-C.
Other names: c.85A>G, p.Lys29Glu (NM_001407021.1, NM_001407022.1, NM_001407023.1 and 2 more transcripts); short protein forms K29E.
Identifiers: ClinVar variation 3611125 (VCV003611125.2).